The following is an entry in ClinVar:

ClinVar aggregate classification (germline): Uncertain significance (1 of 4 stars; one submission).

Conditions:
Myopathy, proximal, and ophthalmoplegia (CMYO6). Also called: INCLUSION BODY MYOPATHY 3, AUTOSOMAL DOMINANT; MYOPATHY WITH CONGENITAL JOINT CONTRACTURES, OPHTHALMOPLEGIA, AND RIMMED VACUOLES; CONGENITAL MYOPATHY 6 WITH OPHTHALMOPLEGIA. Identifiers: Orphanet 363677, Orphanet 79091, MedGen C1854106, MONDO:0011577, OMIM 605637.

Allele frequency attached by ClinVar (database versions not stated): gnomAD exomes below 0.00001; gnomAD 0.00001.

Submission:

Labcorp Genetics (formerly Invitae), Labcorp
Classification: Uncertain significance for Myopathy, proximal, and ophthalmoplegia. Last evaluated: 2022-08-31. Review status: criteria provided, single submitter. Criteria: Invitae Variant Classification Sherloc (09022015). Collection method: clinical testing. Allele origin: germline.
Comment: In summary, the available evidence is currently insufficient to determine the role of this variant in disease. Therefore, it has been classified as a Variant of Uncertain Significance. Algorithms developed to predict the effect of missense changes on protein structure and function are either unavailable or do not agree on the potential impact of this missense change (SIFT: "Deleterious"; PolyPhen-2: "Benign"; Align-GVGD: "Class C25"). ClinVar contains an entry for this variant (Variation ID: 1061231). This variant has not been reported in the literature in individuals affected with MYH2-related conditions. This variant is present in population databases (no rsID available, gnomAD 0.003%). This sequence change replaces leucine, which is neutral and non-polar, with arginine, which is basic and polar, at codon 1262 of the MYH2 protein (p.Leu1262Arg).

NM_017534.6(MYH2):c.3785T>G (p.Leu1262Arg)

Genes: MYHAS (myosin heavy chain gene cluster antisense RNA; plus strand), MYH2 (myosin heavy chain 2; minus strand). Cytogenetic location: 17p13.1.
Variant type: single nucleotide variant.
Coding change: c.3785T>G on transcript NM_017534.6 (MANE Select); coding-DNA position 3785, T replaced by G.
Protein change: p.Leu1262Arg; replaces leucine 1262 with arginine.
Molecular consequence: missense variant.
Genome position (GRCh38, 1-based): chr17:10,527,834, A>C on the plus strand (T>G on the coding strand, the complement: MYH2 is on the minus strand). VCF-style: chr17-10527834-A-C. GRCh37 (hg19) VCF-style: chr17-10431151-A-C.
Other names: c.3785T>G, p.Leu1262Arg (NM_001100112.2); short protein forms L1262R.
Identifiers: ClinVar variation 1061231 (VCV001061231.5), dbSNP rs1178928941, ClinGen allele CA398131975.
Genomic context (GRCh38, chr17:10,527,834, plus strand): 5'-TGCGCAGTCAGGTCATTGATCAGCCGCTGCTGCTCCTCTTCCTTTGATTTCAGTTCACTC[A>C]GTTGGTCCTCTAGAGTCCGGCACATTTTCTCTAGGTTTCCCTATAGAAGAAAAAGTAAAA-3'
Protein context (NP_060004.3, residues 1252-1272): EKMCRTLEDQ[Leu1262Arg]SELKSKEEEQ